The following is an entry in ClinVar:

NM_014287.4(NOMO1):c.2694C>T (p.Ser898=)

Gene: NOMO1 (NODAL modulator 1). Cytogenetic location: 16p13.11.
Variant type: single nucleotide variant.
Coding change: c.2694C>T on transcript NM_014287.4 (MANE Select); coding-DNA position 2694, C replaced by T.
Protein change: p.Ser898=; no amino-acid change (serine 898 retained).
Molecular consequence: synonymous variant.
Genome position (GRCh38, 1-based): chr16:14,878,771, C>T. VCF-style: chr16-14878771-C-T. GRCh37 (hg19) VCF-style: chr16-14972628-C-T.
Identifiers: ClinVar variation 4821625 (VCV004821625.4).
Genomic context (GRCh38, chr16:14,878,771, plus strand): 5'-TCATCCCCAGATAAAAGCTGAGGATGACCAGCCCCTCCCGGGAGTCCTCTTATCCCTGAG[C>T]GGTGGCCTGTTTCGTTCCAACCTCTTGACCCAGGACAACGGCATTCTGACATTCTCAAAC-3'
Protein context (NP_055102.3, residues 888-908): QPLPGVLLSL[Ser898=]GGLFRSNLLT

ClinVar aggregate classification (germline): Likely benign (1 of 4 stars; one submission).

Submission:

CeGaT Center for Human Genetics Tuebingen
Classification: Likely benign. Last evaluated: 2026-03-01. Review status: criteria provided, single submitter. Criteria: CeGaT Center For Human Genetics Tuebingen Variant Classification Criteria Version 2. Collection method: clinical testing. Allele origin: germline. Affected: yes. Observed: 1 variant allele.
Comment: NOMO1: BP4, BP7